The following is an entry in ClinVar:

NM_000271.5(NPC1):c.1757+3G>T

Gene: NPC1 (NPC intracellular cholesterol transporter 1; minus strand). Cytogenetic location: 18q11.2.
Variant type: single nucleotide variant.
Coding change: c.1757+3G>T on transcript NM_000271.5 (MANE Select); 3 bases into the intron after coding-DNA position 1757, G replaced by T.
Molecular consequence: intron variant.
Genome position (GRCh38, 1-based): chr18:23,548,003, C>A on the plus strand (G>T on the coding strand, the complement: NPC1 is on the minus strand). VCF-style: chr18-23548003-C-A. GRCh37 (hg19) VCF-style: chr18-21127967-C-A.
Other names: c.1757+3G>T (NM_000271.4).
Identifiers: ClinVar variation 2049023 (VCV002049023.4), dbSNP rs2511249821, ClinGen allele CA2580095486.

ClinVar aggregate classification (germline): Uncertain significance. Review status: criteria provided, single submitter (1 of 4 stars). 2 submissions from 2 submitters: Uncertain significance (1). 1 of the submissions does not count toward it. Last evaluated 2021-12-19.

Conditions:
Niemann-Pick disease, type C1. Also called: NEUROVISCERAL STORAGE DISEASE WITH VERTICAL SUPRANUCLEAR OPHTHALMOPLEGIA; NIEMANN-PICK DISEASE WITH CHOLESTEROL ESTERIFICATION BLOCK; NIEMANN-PICK DISEASE WITHOUT SPHINGOMYELINASE DEFICIENCY; NIEMANN-PICK DISEASE, CHRONIC NEURONOPATHIC FORM; NIEMANN-PICK DISEASE, VARIANT TYPE C1. Identifiers: Orphanet 646, MedGen C3179455, MONDO:0009757, OMIM 257220.

Submissions (2):

Labcorp Genetics (formerly Invitae), Labcorp
Classification: Uncertain significance for Niemann-Pick disease, type C1. Last evaluated: 2021-12-19. Review status: criteria provided, single submitter. Criteria: Invitae Variant Classification Sherloc (09022015). Collection method: clinical testing. Allele origin: germline.
Comment: This variant has not been reported in the literature in individuals affected with NPC1-related conditions. In summary, the available evidence is currently insufficient to determine the role of this variant in disease. Therefore, it has been classified as a Variant of Uncertain Significance. Variants that disrupt the consensus splice site are a relatively common cause of aberrant splicing (PMID: 17576681, 9536098). Algorithms developed to predict the effect of sequence changes on RNA splicing suggest that this variant may disrupt the consensus splice site. This variant is not present in population databases (gnomAD no frequency). This sequence change falls in intron 11 of the NPC1 gene. It does not directly change the encoded amino acid sequence of the NPC1 protein. It affects a nucleotide within the consensus splice site.

Natera, Inc.
Classification: Uncertain significance for Niemann-Pick disease type C1. Last evaluated: 2025-05-14. Review status: no assertion criteria provided. Collection method: clinical testing. Allele origin: germline. Not counted in ClinVar's aggregate classification.

Literature cited by the submitters: PubMed 17576681 (cited by Labcorp Genetics (formerly Invitae), Labcorp); PubMed 9536098 (cited by Labcorp Genetics (formerly Invitae), Labcorp).